The following is an entry in ClinVar:

ClinVar aggregate classification (germline): Uncertain significance (1 of 4 stars; one submission).

Submission:

Labcorp Genetics (formerly Invitae), Labcorp
Classification: Uncertain significance. Last evaluated: 2022-08-02. Review status: criteria provided, single submitter. Criteria: Invitae Variant Classification Sherloc (09022015). Collection method: clinical testing. Allele origin: germline.
Comment: This variant results in a copy number gain of the genomic region encompassing exon(s) 21-28 of the MCM3AP gene. This region includes the termination codon of the gene. This copy number gain extends beyond the assayed region for this gene and therefore may encompass additional genes. As the precise location of this event is unknown, it may be in tandem or it may be located elsewhere in the genome. This variant has not been reported in the literature in individuals affected with MCM3AP-related conditions. In summary, the available evidence is currently insufficient to determine the role of this variant in disease. Therefore, it has been classified as a Variant of Uncertain Significance.

NC_000021.8:g.(?_47531391)_(47666820_?)dup

Genes: COL6A2 (collagen type VI alpha 2 chain; plus strand), FTCD (formimidoyltransferase cyclodeaminase; minus strand), LSS (lanosterol synthase; minus strand), MCM3AP (minichromosome maintenance complex component 3 associated protein; minus strand), SPATC1L (spermatogenesis and centriole associated 1 like; minus strand). Cytogenetic location: 21q22.3.
Variant type: Duplication.
Identifiers: ClinVar variation 1443554 (VCV001443554.6).